The following is an entry in ClinVar:

NM_001172509.2(SATB2):c.118C>A (p.Pro40Thr)

Gene: SATB2 (SATB homeobox 2; minus strand). Cytogenetic location: 2q33.1.
Variant type: single nucleotide variant.
Coding change: c.118C>A on transcript NM_001172509.2 (MANE Select); coding-DNA position 118, C replaced by A.
Protein change: p.Pro40Thr; replaces proline 40 with threonine.
Molecular consequence: missense variant. On other transcripts: non-coding transcript variant (1).
Genome position (GRCh38, 1-based): chr2:199,455,920, G>T on the plus strand (C>A on the coding strand, the complement: SATB2 is on the minus strand). VCF-style: chr2-199455920-G-T. GRCh37 (hg19) VCF-style: chr2-200320643-G-T.
Other names: c.118C>A (NM_015265.3); c.118C>A, p.Pro40Thr (NM_001172517.1, NM_015265.4); short protein forms P40T.
Identifiers: ClinVar variation 2835574 (VCV002835574.4), dbSNP rs1191904885, ClinGen allele CA350388446.

ClinVar aggregate classification (germline): Conflicting classifications of pathogenicity. Review status: criteria provided, conflicting classifications (1 of 4 stars). 2 submissions from 2 submitters: Uncertain significance (1); Benign (1). Last evaluated 2026-02-12.

Conditions:
Chromosome 2q32-q33 deletion syndrome (GLASS). Also called: Glass syndrome; 2q33.1 deletion syndrome. Identifiers: Orphanet 251019, MedGen C2676739, MONDO:0012864, OMIM 612313.

Submissions (2):

GeneDx
Classification: Uncertain significance. Last evaluated: 2026-02-12. Review status: criteria provided, single submitter. Criteria: GeneDx Variant Classification Process June 2021. Collection method: clinical testing. Allele origin: germline.
Comment: Not observed at significant frequency in large population cohorts (gnomAD); In silico analysis supports that this missense variant has a deleterious effect on protein structure/function; Has not been previously published as pathogenic or benign to our knowledge

Labcorp Genetics (formerly Invitae), Labcorp
Classification: Benign for Chromosome 2q32-q33 deletion syndrome. Last evaluated: 2023-11-24. Review status: criteria provided, single submitter. Criteria: Invitae Variant Classification Sherloc (09022015). Collection method: clinical testing. Allele origin: germline.